The following is an entry in ClinVar:

NM_001429.4(EP300):c.5074T>G (p.Cys1692Gly)

Gene: EP300 (EP300 lysine acetyltransferase; plus strand). Cytogenetic location: 22q13.2.
Variant type: single nucleotide variant.
Coding change: c.5074T>G on transcript NM_001429.4 (MANE Select); coding-DNA position 5074, T replaced by G.
Protein change: p.Cys1692Gly; replaces cysteine 1692 with glycine.
Molecular consequence: missense variant.
Genome position (GRCh38, 1-based): chr22:41,176,785, T>G. VCF-style: chr22-41176785-T-G. GRCh37 (hg19) VCF-style: chr22-41572789-T-G.
Other names: c.4996T>G, p.Cys1666Gly (NM_001362843.2); short protein forms C1692G, C1666G.
Identifiers: ClinVar variation 451791 (VCV000451791.3), dbSNP rs1555912107, ClinGen allele CA411708045.

ClinVar aggregate classification (germline): Likely pathogenic (1 of 4 stars; one submission).

Submission:

GeneDx
Classification: Likely pathogenic. Last evaluated: 2026-09-22. Review status: criteria provided, single submitter. Criteria: GeneDx Variant Classification Process June 2021. Collection method: clinical testing. Allele origin: germline.
Comment: Identified in a patient with a developmental disorder in published literature (PMID: 33057194) but additional clinical evidence was not provided; Not observed at significant frequency in large population cohorts (gnomAD); In silico analysis supports that this missense variant has a deleterious effect on protein structure/function; This variant is associated with the following publications: (PMID: 35982159, 38553851, 33057194)